The following is an entry in ClinVar:

NM_019066.5(MAGEL2):c.1744T>A (p.Cys582Ser)

Gene: MAGEL2 (MAGE family member L2; minus strand). Cytogenetic location: 15q11.2.
Variant type: single nucleotide variant.
Coding change: c.1744T>A on transcript NM_019066.5 (MANE Select); coding-DNA position 1744, T replaced by A.
Protein change: p.Cys582Ser; replaces cysteine 582 with serine.
Molecular consequence: missense variant.
Genome position (GRCh38, 1-based): chr15:23,645,999, A>T on the plus strand (T>A on the coding strand, the complement: MAGEL2 is on the minus strand). VCF-style: chr15-23645999-A-T. GRCh37 (hg19) VCF-style: chr15-23891146-A-T.
Other names: c.1744T>A (NM_019066.4); short protein forms C582S.
Identifiers: ClinVar variation 1925000 (VCV001925000.7), dbSNP rs1435600907, ClinGen allele CA391333423.

ClinVar aggregate classification (germline): Uncertain significance. Review status: criteria provided, multiple submitters, no conflicts (2 of 4 stars). 2 submissions from 2 submitters: Uncertain significance (2). Last evaluated 2025-02-09.

Conditions:
MAGEL2-related disorder. Also called: MAGEL2-related condition.

Allele frequency attached by ClinVar (database versions not stated): gnomAD exomes below 0.00001; TOPMed 0.00001.

Submissions (2):

PreventionGenetics, part of Exact Sciences
Classification: Uncertain significance for MAGEL2-related condition. Last evaluated: 2025-02-09. Review status: criteria provided, single submitter. Criteria: ACMG Guidelines, 2015. Collection method: clinical testing. Allele origin: germline.
Comment: The MAGEL2 c.1744T>A variant is predicted to result in the amino acid substitution p.Cys582Ser. To our knowledge, this variant has not been reported in the literature. This variant is reported in 0.0040% of alleles in individuals of Latino descent in gnomAD. At this time, the clinical significance of this variant is uncertain due to the absence of conclusive functional and genetic evidence.

Labcorp Genetics (formerly Invitae), Labcorp
Classification: Uncertain significance. Last evaluated: 2023-10-23. Review status: criteria provided, single submitter. Criteria: Invitae Variant Classification Sherloc (09022015). Collection method: clinical testing. Allele origin: germline.
Comment: This sequence change replaces cysteine, which is neutral and slightly polar, with serine, which is neutral and polar, at codon 582 of the MAGEL2 protein (p.Cys582Ser). This variant is not present in population databases (gnomAD no frequency). This variant has not been reported in the literature in individuals affected with MAGEL2-related conditions. ClinVar contains an entry for this variant (Variation ID: 1925000). Advanced modeling of protein sequence and biophysical properties (such as structural, functional, and spatial information, amino acid conservation, physicochemical variation, residue mobility, and thermodynamic stability) performed at Invitae indicates that this missense variant is not expected to disrupt MAGEL2 protein function with a negative predictive value of 80%. In summary, the available evidence is currently insufficient to determine the role of this variant in disease. Therefore, it has been classified as a Variant of Uncertain Significance.